The following is an entry in ClinVar:

NM_000545.8(HNF1A):c.1624-6C>T

Gene: HNF1A (HNF1 homeobox A; plus strand). Cytogenetic location: 12q24.31.
Variant type: single nucleotide variant.
Coding change: c.1624-6C>T on transcript NM_000545.8 (MANE Select); 6 bases into the intron before coding-DNA position 1624, C replaced by T.
Molecular consequence: intron variant. On other transcripts: missense variant (1).
Genome position (GRCh38, 1-based): chr12:120,999,477, C>T. VCF-style: chr12-120999477-C-T. GRCh37 (hg19) VCF-style: chr12-121437280-C-T.
Other names: c.1639C>T, p.Pro547Ser (NM_001306179.2); short protein forms P547S.
Identifiers: ClinVar variation 2171779 (VCV002171779.6), dbSNP rs1433813890, ClinGen allele CA386972710.

ClinVar aggregate classification (germline): Likely benign. Review status: criteria provided, multiple submitters, no conflicts (2 of 4 stars). 2 submissions from 2 submitters: Likely benign (2). Last evaluated 2025-12-22.

Allele frequency attached by ClinVar (database versions not stated): TOPMed 0.00001; gnomAD 0.00003.
gnomAD v4.1: 8 of 1,613,764 alleles (0.0005%); highest among the groups gnomAD compares: African/African-American, 0.008%; no homozygotes.

Submissions (2):

Labcorp Genetics (formerly Invitae), Labcorp
Classification: Likely benign. Last evaluated: 2025-12-22. Review status: criteria provided, single submitter. Criteria: Invitae Variant Classification Sherloc (09022015). Collection method: clinical testing. Allele origin: germline.

Women's Health and Genetics/Laboratory Corporation of America, LabCorp
Classification: Likely benign. Last evaluated: 2025-04-30. Review status: criteria provided, single submitter. Criteria: LabCorp Variant Classification Summary - May 2015. Collection method: clinical testing. Allele origin: germline.
Comment: Variant summary: HNF1A c.1624-6C>T alters a nucleotide located at a position not widely known to affect splicing. Consensus agreement among computation tools predict no significant impact on normal splicing. However, these predictions have yet to be confirmed by functional studies. The variant allele was found at a frequency of 8e-06 in 250506 control chromosomes. The available data on variant occurrences in the general population are insufficient to allow any conclusion about variant significance. To our knowledge, no occurrence of c.1624-6C>T in individuals affected with Maturity Onset Diabetes Of The Young 3 and no experimental evidence demonstrating its impact on protein function have been reported. ClinVar contains an entry for this variant (Variation ID: 2171779). Based on the evidence outlined above, the variant was classified as likely benign.